The following is an entry in ClinVar:

ClinVar aggregate classification (germline): Uncertain significance (1 of 4 stars; one submission).

Conditions:
Loeys-Dietz syndrome 2 (LDS2). Also called: TGFBR2-Related Loeys-Dietz Syndrome; Marfan syndrome, type 2 (formerly); AORTIC ANEURYSM, FAMILIAL THORACIC 3; MARFAN SYNDROME, TYPE II; Marfan Syndrome type 2; Marfan like connective tissue disorder. Identifiers: Orphanet 284973, Orphanet 558, MedGen C2674574, MONDO:0012427, OMIM 610168.

gnomAD v4.1: 6 of 1,613,838 alleles (0.00037%); highest among the groups gnomAD compares: Non-Finnish European, 0.00051%; no homozygotes.

Submission:

Labcorp Genetics (formerly Invitae), Labcorp
Classification: Uncertain significance for Loeys-Dietz syndrome 2. Last evaluated: 2025-10-02. Review status: criteria provided, single submitter. Criteria: Invitae Variant Classification Sherloc (09022015). Collection method: clinical testing. Allele origin: germline.
Comment: This sequence change replaces aspartic acid, which is acidic and polar, with glycine, which is neutral and non-polar, at codon 623 of the TMPO protein (p.Asp623Gly). This variant is present in population databases (no rsID available, gnomAD 0.0009%). This variant has not been reported in the literature in individuals affected with TMPO-related conditions. Invitae Evidence Modeling of protein sequence and biophysical properties (such as structural, functional, and spatial information, amino acid conservation, physicochemical variation, residue mobility, and thermodynamic stability) indicates that this missense variant is not expected to disrupt TMPO protein function with a negative predictive value of 80%. In summary, the available evidence is currently insufficient to determine the role of this variant in disease. Therefore, it has been classified as a Variant of Uncertain Significance.

NM_001032283.3(TMPO):c.565+2287A>G

Gene: TMPO (thymopoietin; plus strand). Cytogenetic location: 12q23.1.
Variant type: single nucleotide variant.
Coding change: c.565+2287A>G on transcript NM_001032283.3 (MANE Select); 2287 bases into the intron after coding-DNA position 565, A replaced by G.
Molecular consequence: intron variant. On other transcripts: missense variant (1).
Genome position (GRCh38, 1-based): chr12:98,534,125, A>G. VCF-style: chr12-98534125-A-G. GRCh37 (hg19) VCF-style: chr12-98927903-A-G.
Other names: c.1868A>G, p.Asp623Gly (NM_003276.2); c.565+2287A>G (NM_001307975.2, NM_001032284.3); short protein forms D623G.
Identifiers: ClinVar variation 4742534 (VCV004742534.1).